The following is an entry in ClinVar:

NM_006158.5(NEFL):c.1082C>T (p.Thr361Ile)

Genes: NEFL (neurofilament light chain; minus strand), LOC126860330 (BRD4-independent group 4 enhancer GRCh37_chr8:24811677-24812876; plus strand). Cytogenetic location: 8p21.2.
Variant type: single nucleotide variant.
Coding change: c.1082C>T on transcript NM_006158.5 (MANE Select); coding-DNA position 1082, C replaced by T.
Protein change: p.Thr361Ile; replaces threonine 361 with isoleucine.
Molecular consequence: missense variant.
Genome position (GRCh38, 1-based): chr8:24,954,268, G>A on the plus strand (C>T on the coding strand, the complement: NEFL is on the minus strand). VCF-style: chr8-24954268-G-A. GRCh37 (hg19) VCF-style: chr8-24811782-G-A.
Other names: short protein forms T361I.
Identifiers: ClinVar variation 3691757 (VCV003691757.2).

ClinVar aggregate classification (germline): Uncertain significance (1 of 4 stars; one submission).

Conditions:
Charcot-Marie-Tooth disease type 2E (CMT2E). Also called: CHARCOT-MARIE-TOOTH DISEASE, AXONAL, TYPE 2E; CHARCOT-MARIE-TOOTH NEUROPATHY, TYPE 2E. Identifiers: Orphanet 99939, MedGen C1843225, MONDO:0011894, OMIM 607684.

Submission:

Labcorp Genetics (formerly Invitae), Labcorp
Classification: Uncertain significance for Charcot-Marie-Tooth disease type 2E. Last evaluated: 2025-07-27. Review status: criteria provided, single submitter. Criteria: Invitae Variant Classification Sherloc (09022015). Collection method: clinical testing. Allele origin: germline.
Comment: This sequence change replaces threonine, which is neutral and polar, with isoleucine, which is neutral and non-polar, at codon 361 of the NEFL protein (p.Thr361Ile). This variant is present in population databases (no rsID available, gnomAD 0.007%). This variant has not been reported in the literature in individuals affected with NEFL-related conditions. ClinVar contains an entry for this variant (Variation ID: 3691757). Invitae Evidence Modeling of protein sequence and biophysical properties (such as structural, functional, and spatial information, amino acid conservation, physicochemical variation, residue mobility, and thermodynamic stability) indicates that this missense variant is not expected to disrupt NEFL protein function with a negative predictive value of 80%. In summary, the available evidence is currently insufficient to determine the role of this variant in disease. Therefore, it has been classified as a Variant of Uncertain Significance.